The following is an entry in ClinVar:

NM_000512.5(GALNS):c.244T>C (p.Ser82Pro)

Gene: GALNS (galactosamine (N-acetyl)-6-sulfatase; minus strand). Cytogenetic location: 16q24.3.
Variant type: single nucleotide variant.
Coding change: c.244T>C on transcript NM_000512.5 (MANE Select); coding-DNA position 244, T replaced by C.
Protein change: p.Ser82Pro; replaces serine 82 with proline.
Molecular consequence: missense variant. On other transcripts: intron variant (1).
Genome position (GRCh38, 1-based): chr16:88,842,706, A>G on the plus strand (T>C on the coding strand, the complement: GALNS is on the minus strand). VCF-style: chr16-88842706-A-G. GRCh37 (hg19) VCF-style: chr16-88909114-A-G.
Other names: c.262T>C, p.Ser88Pro (NM_001323544.2); c.-311-735T>C (NM_001323543.2); short protein forms S82P, S88P.
Identifiers: ClinVar variation 1048391 (VCV001048391.3), dbSNP rs1338871013, ClinGen allele CA397091115.
Genomic context (GRCh38, chr16:88,842,706, plus strand): 5'-CGGGAGGCCTCGGCCTGTTGGGCTCACCCCTTCCTGGGGGCGAGGGCCCCGCTGACTTAC[A>G]TGGCGAGCACAGAGGGTTGGCAGAATAGAAGTTTGGGAAAAGCAGCCCTTCTGCAGCCAT-3'
Protein context (NP_000503.1, residues 72-92): FYSANPLCSP[Ser82Pro]RAALLTGRLP

ClinVar aggregate classification (germline): Uncertain significance (1 of 4 stars; one submission).

Conditions:
Mucopolysaccharidosis, MPS-IV-A (MPS4A). Also called: Mucopolysaccharidosis type IV A; Mucopolysaccharidosis Type IVA; Morquio syndrome A, mild; MORQUIO SYNDROME A; MPS IVA; mucopolysaccharidosis type 4A. Identifiers: Orphanet 309297, Orphanet 582, MedGen C0086651, MONDO:0009659, OMIM 253000.

Allele frequency attached by ClinVar (database versions not stated): TOPMed below 0.00001; gnomAD 0.00001.
gnomAD v4.1: 1 of 1,612,512 alleles (0.000062%); highest among the groups gnomAD compares: African/African-American, 0.0013%; no homozygotes.

Submission:

Laboratory of Diagnosis and Therapy of Lysosomal Disorders, University of Padova
Classification: Uncertain significance for Mucopolysaccharidosis, MPS-IV-A. Last evaluated: 2021-02-01. Review status: criteria provided, single submitter. Criteria: ACMG Guidelines, 2015. Collection method: curation. Allele origin: germline. Affected: yes.
Comment: In vivo functional studies supportive of a damaging effect on the gene product (low to null enzymatic activity in homozygotes; PS3_moderate); absent from gnomAD v2.1.1 (PM2_moderate); multiple lines of computational evidence support a deleterious effect on the gene (PP3_supporting)

Literature cited by the submitters: PubMed 23876334; PubMed 25252036; PubMed 32993725; PubMed 34387910.